The following is an entry in ClinVar:

ClinVar aggregate classification (germline): Uncertain significance. Review status: criteria provided, multiple submitters, no conflicts (2 of 4 stars). 2 submissions from 2 submitters: Uncertain significance (2). Last evaluated 2024-11-08.

Conditions:
Inborn genetic diseases. Identifiers: MedGen C0950123, MeSH D030342.

Allele frequency attached by ClinVar (database versions not stated): gnomAD exomes below 0.00001.

Submissions (2):

Ambry Genetics
Classification: Uncertain significance for Inborn genetic diseases. Last evaluated: 2024-11-08. Review status: criteria provided, single submitter. Criteria: Ambry Variant Classification Scheme 2023. Collection method: clinical testing. Allele origin: germline.

GeneDx
Classification: Uncertain significance. Last evaluated: 2022-07-06. Review status: criteria provided, single submitter. Criteria: GeneDx Variant Classification Process June 2021. Collection method: clinical testing. Allele origin: germline. Affected: yes.
Comment: Not observed at significant frequency in large population cohorts (gnomAD); In silico analysis supports that this missense variant has a deleterious effect on protein structure/function; Has not been previously published as pathogenic or benign to our knowledge

NM_006950.3(SYN1):c.1318G>A (p.Gly440Arg)

Gene: SYN1 (synapsin I; minus strand). Cytogenetic location: Xp11.3.
Variant type: single nucleotide variant.
Coding change: c.1318G>A on transcript NM_006950.3 (MANE Select); coding-DNA position 1318, G replaced by A.
Protein change: p.Gly440Arg; replaces glycine 440 with arginine.
Molecular consequence: missense variant.
Genome position (GRCh38, 1-based): chrX:47,574,763, C>T on the plus strand (G>A on the coding strand, the complement: SYN1 is on the minus strand). VCF-style: chrX-47574763-C-T. GRCh37 (hg19) VCF-style: chrX-47434162-C-T.
Other names: c.1318G>A, p.Gly440Arg (NM_133499.2); short protein forms G440R.
Identifiers: ClinVar variation 1810744 (VCV001810744.2), dbSNP rs2519685410, ClinGen allele CA412824868.